The following is an entry in ClinVar:

NM_001378454.1(ALMS1):c.2434T>C (p.Ser812Pro)

Gene: ALMS1 (ALMS1 centrosome and basal body associated protein; plus strand). Cytogenetic location: 2p13.1.
Variant type: single nucleotide variant.
Coding change: c.2434T>C on transcript NM_001378454.1 (MANE Select); coding-DNA position 2434, T replaced by C.
Protein change: p.Ser812Pro; replaces serine 812 with proline.
Molecular consequence: missense variant.
Genome position (GRCh38, 1-based): chr2:73,448,961, T>C. VCF-style: chr2-73448961-T-C. GRCh37 (hg19) VCF-style: chr2-73676088-T-C.
Other names: c.2437T>C, p.Ser813Pro (NM_015120.4); short protein forms S812P, S813P.
Identifiers: ClinVar variation 2415488 (VCV002415488.6), dbSNP rs376991574, ClinGen allele CA347270068.

ClinVar aggregate classification (germline): Uncertain significance (1 of 4 stars; one submission).

Conditions:
Alstrom syndrome (ALMS). Identifiers: Orphanet 64, MedGen C0268425, MONDO:0008763, OMIM 203800.

Submission:

Labcorp Genetics (formerly Invitae), Labcorp
Classification: Uncertain significance for Alstrom syndrome. Last evaluated: 2022-04-28. Review status: criteria provided, single submitter. Criteria: Invitae Variant Classification Sherloc (09022015). Collection method: clinical testing. Allele origin: germline.
Comment: This sequence change replaces serine, which is neutral and polar, with proline, which is neutral and non-polar, at codon 813 of the ALMS1 protein (p.Ser813Pro). This variant is not present in population databases (gnomAD no frequency). This variant has not been reported in the literature in individuals affected with ALMS1-related conditions. Experimental studies and prediction algorithms are not available or were not evaluated, and the functional significance of this variant is currently unknown. In summary, the available evidence is currently insufficient to determine the role of this variant in disease. Therefore, it has been classified as a Variant of Uncertain Significance.